The following is an entry in ClinVar:

ClinVar aggregate classification (germline): Uncertain significance. Review status: criteria provided, multiple submitters, no conflicts (2 of 4 stars). 3 submissions from 3 submitters: Uncertain significance (3). Last evaluated 2025-01-15.

Conditions:
Developmental and epileptic encephalopathy, 50 (DEE50). Also called: Epileptic encephalopathy, early infantile, 50. Identifiers: Orphanet 448010, MedGen C4225320, MONDO:0014647, OMIM 616457.

Allele frequency attached by ClinVar (database versions not stated): gnomAD 0.00001; gnomAD exomes 0.00001 and 0.00002; TOPMed 0.00002.
gnomAD v4.1: 11 of 1,613,876 alleles (0.00068%); highest among the groups gnomAD compares: African/African-American, 0.0093%; no homozygotes.

Submissions (3):

Labcorp Genetics (formerly Invitae), Labcorp
Classification: Uncertain significance. Last evaluated: 2025-01-15. Review status: criteria provided, single submitter. Criteria: Invitae Variant Classification Sherloc (09022015). Collection method: clinical testing. Allele origin: germline.
Comment: This sequence change falls in intron 26 of the CAD gene. It does not directly change the encoded amino acid sequence of the CAD protein. It affects a nucleotide within the consensus splice site. This variant is present in population databases (no rsID available, gnomAD 0.02%). This variant has not been reported in the literature in individuals affected with CAD-related conditions. ClinVar contains an entry for this variant (Variation ID: 1032896). Variants that disrupt the consensus splice site are a relatively common cause of aberrant splicing (PMID: 17576681, 9536098). Algorithms developed to predict the effect of sequence changes on RNA splicing suggest that this variant is not likely to affect RNA splicing. In summary, the available evidence is currently insufficient to determine the role of this variant in disease. Therefore, it has been classified as a Variant of Uncertain Significance.

GeneDx
Classification: Uncertain significance. Last evaluated: 2025-01-08. Review status: criteria provided, single submitter. Criteria: GeneDx Variant Classification Process June 2021. Collection method: clinical testing. Allele origin: germline. Affected: yes.
Comment: In silico analysis indicates that this variant does not alter splicing; Has not been previously published as pathogenic or benign to our knowledge

Baylor Genetics
Classification: Uncertain significance for Developmental and epileptic encephalopathy, 50. Last evaluated: 2018-03-14. Review status: criteria provided, single submitter. Criteria: ACMG Guidelines, 2015. Collection method: clinical testing. Allele origin: paternal. Affected: yes.
Comment: This variant was determined to be of uncertain significance according to ACMG Guidelines, 2015 [PMID:25741868].

Literature cited by the submitters: PubMed 17576681 (cited by Labcorp Genetics (formerly Invitae), Labcorp); PubMed 9536098 (cited by Labcorp Genetics (formerly Invitae), Labcorp).

NM_004341.5(CAD):c.4315-3C>T

Gene: CAD (carbamoyl-phosphate synthetase 2, aspartate transcarbamylase, and dihydroorotase; plus strand). Cytogenetic location: 2p23.3.
Variant type: single nucleotide variant.
Coding change: c.4315-3C>T on transcript NM_004341.5 (MANE Select); 3 bases into the intron before coding-DNA position 4315, C replaced by T.
Molecular consequence: intron variant.
Genome position (GRCh38, 1-based): chr2:27,236,746, C>T. VCF-style: chr2-27236746-C-T. GRCh37 (hg19) VCF-style: chr2-27459614-C-T.
Other names: c.4126-3C>T (NM_001306079.2).
Identifiers: ClinVar variation 1032896 (VCV001032896.6), dbSNP rs867496821, ClinGen allele CA44512867.
Genomic context (GRCh38, chr2:27,236,746, plus strand): 5'-ACATCTCTCCCTACAACTCCCAGGATCACCCTTCCCTTAAAGCTGACTGCTTTCCACTTG[C>T]AGGCCCTAGGCCAGATCGGGCCAGCCCCTCCTTTGAAGGTGCATGTTGACTGTATGACCT-3'